The following is an entry in ClinVar:

NM_032119.4(ADGRV1):c.3407A>G (p.Asn1136Ser)

Gene: ADGRV1 (adhesion G protein-coupled receptor V1; plus strand). Cytogenetic location: 5q14.3.
Variant type: single nucleotide variant.
Coding change: c.3407A>G on transcript NM_032119.4 (MANE Select); coding-DNA position 3407, A replaced by G.
Protein change: p.Asn1136Ser; replaces asparagine 1136 with serine.
Molecular consequence: missense variant. On other transcripts: non-coding transcript variant (1).
Genome position (GRCh38, 1-based): chr5:90,651,721, A>G. VCF-style: chr5-90651721-A-G. GRCh37 (hg19) VCF-style: chr5-89947538-A-G.
Other names: short protein forms N1136S.
Identifiers: ClinVar variation 965345 (VCV000965345.7), dbSNP rs1768653680, ClinGen allele CA360396021.
Genomic context (GRCh38, chr5:90,651,721, plus strand): 5'-ACCCAAATGGCATTTTTTCTCTGGAGCCCATAGACAAAGCAGTGGAAGAAGGAAAGACTA[A>G]TGCATTTTGGTAAGCATATGTAGATAAGGCAAGTTTAAAATTGGGTGAAATAAAACCATT-3'
Protein context (NP_115495.3, residues 1126-1146): IDKAVEEGKT[Asn1136Ser]AFWILRHRGY

ClinVar aggregate classification (germline): Uncertain significance (1 of 4 stars; one submission).

Allele frequency attached by ClinVar (database versions not stated): gnomAD exomes below 0.00001.
gnomAD v4.1: 1 of 1,610,520 alleles (0.000062%); highest among the groups gnomAD compares: East Asian, 0.0022%; no homozygotes.

Submission:

Labcorp Genetics (formerly Invitae), Labcorp
Classification: Uncertain significance. Last evaluated: 2021-08-28. Review status: criteria provided, single submitter. Criteria: Invitae Variant Classification Sherloc (09022015). Collection method: clinical testing. Allele origin: germline.
Comment: This sequence change replaces asparagine with serine at codon 1136 of the ADGRV1 protein (p.Asn1136Ser). The asparagine residue is moderately conserved and there is a small physicochemical difference between asparagine and serine. This variant is not present in population databases (ExAC no frequency). This variant has not been reported in the literature in individuals affected with ADGRV1-related conditions. Algorithms developed to predict the effect of missense changes on protein structure and function (SIFT, PolyPhen-2, Align-GVGD) all suggest that this variant is likely to be tolerated. In summary, the available evidence is currently insufficient to determine the role of this variant in disease. Therefore, it has been classified as a Variant of Uncertain Significance.